The following is an entry in ClinVar:

ClinVar aggregate classification (germline): Uncertain significance (1 of 4 stars; one submission).

Conditions:
ALX4-related disorder. Also called: ALX4-related condition.

gnomAD v4.1: 1 of 1,614,202 alleles (0.000062%); highest among the groups gnomAD compares: Non-Finnish European, 0.000085%; no homozygotes.

Submission:

PreventionGenetics, part of Exact Sciences
Classification: Uncertain significance for ALX4-related condition. Last evaluated: 2026-05-18. Review status: criteria provided, single submitter. Criteria: ACMG Guidelines, 2015. Collection method: clinical testing. Allele origin: germline.
Comment: The ALX4 c.730C>G variant is predicted to result in the amino acid substitution p.Arg244Gly. To our knowledge, this variant has not been reported in the literature or in a large population database (gnomAD), indicating this variant is rare. An alternate missense change at the same amino acid position has been reported to segregate with autosomal dominant parietal foramina 2 in multiple individuals of a large four-generation pedigree, and intrafamilial variability is noted (p.Arg244Trp; Saraç Sivrikoz et al. 2016. PubMed ID: 27080046). At this time, the clinical significance of this variant is uncertain due to the absence of conclusive functional and genetic evidence.

NM_021926.4(ALX4):c.730C>G (p.Arg244Gly)

Gene: ALX4 (ALX homeobox 4; minus strand). Cytogenetic location: 11p11.2.
Variant type: single nucleotide variant.
Coding change: c.730C>G on transcript NM_021926.4 (MANE Select); coding-DNA position 730, C replaced by G.
Protein change: p.Arg244Gly; replaces arginine 244 with glycine.
Molecular consequence: missense variant.
Genome position (GRCh38, 1-based): chr11:44,275,395, G>C on the plus strand (C>G on the coding strand, the complement: ALX4 is on the minus strand). VCF-style: chr11-44275395-G-C. GRCh37 (hg19) VCF-style: chr11-44296945-G-C.
Other names: short protein forms R244G.
Identifiers: ClinVar variation 4993080 (VCV004993080.1).